The following is an entry in ClinVar:

NC_000003.11:g.(?_42727111)_(42733485_?)dup

Gene: KLHL40 (kelch like family member 40; plus strand). Cytogenetic location: 3p22.1.
Variant type: Duplication.
Identifiers: ClinVar variation 2427375 (VCV002427375.2).

ClinVar aggregate classification (germline): Uncertain significance (1 of 4 stars; one submission).

Conditions:
Nemaline myopathy 8 (NEM8). Also called: Nemaline myopathy 8, autosomal recessive. Identifiers: Orphanet 171430, MedGen C3809209, MONDO:0014138, OMIM 615348.

Submission:

Labcorp Genetics (formerly Invitae), Labcorp
Classification: Uncertain significance for Nemaline myopathy 8. Last evaluated: 2022-07-06. Review status: criteria provided, single submitter. Criteria: Invitae Variant Classification Sherloc (09022015). Collection method: clinical testing. Allele origin: germline.
Comment: A copy number gain of the genomic region encompassing the full coding sequence of the KLHL40 gene has been identified. The boundaries of this event are unknown as they extend beyond the assayed region for this gene and therefore may encompass additional genes. As the precise location of this event is unknown, it may be in tandem or it may be located elsewhere in the genome. This variant has not been reported in the literature in individuals affected with KLHL40-related conditions. In summary, the available evidence is currently insufficient to determine the role of this variant in disease. Therefore, it has been classified as a Variant of Uncertain Significance.